The following is an entry in ClinVar:

NM_001128228.3(TPRN):c.1818GGA[7] (p.Glu620_Glu621del)

Gene: TPRN (taperin; minus strand). Cytogenetic location: 9q34.3.
Variant type: Microsatellite.
Coding change: c.1818GGA[7] on transcript NM_001128228.3 (MANE Select); seven copies in a row of the 3-base unit GGA starting at c.1818; the reference has nine copies in a row; two copies, 6 bases deleted.
Protein change: p.Glu620_Glu621del.
Molecular consequence: inframe deletion.
Genome position (GRCh38, 1-based): chr9:137,192,573-137,192,578, TCCTCC deleted on the plus strand (GGAGGA on the coding strand, the reverse complement: TPRN is on the minus strand); deleting any 6 consecutive bases within chr9:137,192,573-137,192,600 gives the same sequence; the position shown is the placement nearest the transcript's 3' end. VCF-style (leftmost placement, unchanged base first): chr9-137192572-TTCCTCC-T. GRCh37 (hg19) VCF-style: chr9-140087024-TTCCTCC-T.
Other names: c.1839_1844delGGAGGA (NM_001128228.2).
Identifiers: ClinVar variation 179337 (VCV000179337.20), dbSNP rs376810326, ClinGen allele CA184227.
Genomic context (GRCh38, chr9:137,192,572, plus strand): 5'-GGGCAGGAAGAGTGCAAAGGGCTTCTCCTCTGAGCCGGATCCCTCTTCCTCCTCTTCCTC[TTCCTCC>T]TCCTCCTCCTCCTCCTCCTCCTGCTGGTCCACCTCTTCCTCCTGCTCTAGGGAGCTCTCG-3'

ClinVar aggregate classification (germline): Benign/Likely benign. Review status: criteria provided, multiple submitters, no conflicts (2 of 4 stars). 5 submissions from 5 submitters: Benign (3); Likely benign (2). Last evaluated 2026-01-20.

Submissions (5):

Labcorp Genetics (formerly Invitae), Labcorp
Classification: Benign. Last evaluated: 2026-01-20. Review status: criteria provided, single submitter. Criteria: Invitae Variant Classification Sherloc (09022015). Collection method: clinical testing. Allele origin: germline.

CeGaT Center for Human Genetics Tuebingen
Classification: Likely benign. Last evaluated: 2025-12-01. Review status: criteria provided, single submitter. Criteria: CeGaT Center For Human Genetics Tuebingen Variant Classification Criteria Version 2. Collection method: clinical testing. Allele origin: germline. Affected: yes. Observed: 1 variant allele.
Comment: TPRN: BS1

Blueprint Genetics
Classification: Likely benign. Last evaluated: 2024-10-11. Review status: criteria provided, single submitter. Criteria: ACMG Guidelines, 2015. Collection method: clinical testing. Allele origin: germline.

GeneDx
Classification: Benign. Last evaluated: 2019-12-02. Review status: criteria provided, single submitter. Criteria: GeneDx Variant Classification Process June 2021. Collection method: clinical testing. Allele origin: germline. Affected: yes.

Laboratory for Molecular Medicine, Mass General Brigham Personalized Medicine
Classification: Benign. Last evaluated: 2013-11-05. Review status: criteria provided, single submitter. Criteria: LMM Criteria. Collection method: clinical testing. Allele origin: germline. Observed: 9 variant alleles.
Comment: Glu620_Glu621del in Exon 2 of TPRN: This variant is not expected to have clinica l significance because it has been identified in 1.5% (114/7666) of European Ame rican chromosomes and 1.2% (46/3904) of African American chromosomes by the NHLB I Exome sequencing project (dbSNP rs77086130) .